The following is an entry in ClinVar:

ClinVar aggregate classification (germline): Benign/Likely benign. Review status: criteria provided, multiple submitters, no conflicts (2 of 4 stars). 4 submissions from 4 submitters: Benign (2); Likely benign (2). Last evaluated 2025-11-18.

Conditions:
Vitreoretinopathy. Also called: Vitreoretinal degeneration. Identifiers: MedGen C0344290, MONDO:0020248, HP:0007773.

Allele frequency attached by ClinVar (database versions not stated): gnomAD 0.00017 and 0.00019; TOPMed 0.00020; ESP Exome Variant Server 0.00046.
gnomAD v4.1: 265 of 1,613,998 alleles (0.016%); highest among the groups gnomAD compares: Non-Finnish European, 0.0026%; no homozygotes.

Submissions (4):

Labcorp Genetics (formerly Invitae), Labcorp
Classification: Benign. Last evaluated: 2025-11-18. Review status: criteria provided, single submitter. Criteria: Invitae Variant Classification Sherloc (09022015). Collection method: clinical testing. Allele origin: germline.

Blueprint Genetics
Classification: Likely benign. Last evaluated: 2024-11-21. Review status: criteria provided, single submitter. Criteria: ACMG Guidelines, 2015. Collection method: clinical testing. Allele origin: germline.

Illumina Laboratory Services, Illumina
Classification: Benign for Vitreoretinopathy. Last evaluated: 2018-01-12. Review status: criteria provided, single submitter. Criteria: ICSL Variant Classification Criteria 13 December 2019. Collection method: clinical testing. Allele origin: germline.
Comment: This variant was observed in the ICSL laboratory as part of a predisposition screen in an ostensibly healthy population. It had not been previously curated by ICSL or reported in the Human Gene Mutation Database (HGMD: prior to June 1st, 2018), and was therefore a candidate for classification through an automated scoring system. Utilizing variant allele frequency, disease prevalence and penetrance estimates, and inheritance mode, an automated score was calculated to assess if this variant is too frequent to cause the disease. Based on the score and internal cut-off values, a variant classified as benign is not then subjected to further curation. The score for this variant resulted in a classification of benign for this disease.

Breakthrough Genomics
Classification: Likely benign. Review status: criteria provided, single submitter. Criteria: ACMG Guidelines, 2015. Collection method: not provided. Allele origin: germline. Inheritance: Autosomal dominant inheritance. Affected: yes.

NM_004385.5(VCAN):c.2943A>T (p.Thr981=)

Gene: VCAN (versican; plus strand). Cytogenetic location: 5q14.3.
Variant type: single nucleotide variant.
Coding change: c.2943A>T on transcript NM_004385.5 (MANE Select); coding-DNA position 2943, A replaced by T.
Protein change: p.Thr981=; no amino-acid change (threonine 981 retained).
Molecular consequence: synonymous variant. On other transcripts: intron variant (2).
Genome position (GRCh38, 1-based): chr5:83,521,249, A>T. VCF-style: chr5-83521249-A-T. GRCh37 (hg19) VCF-style: chr5-82817068-A-T.
Other names: c.2943A>T, p.Thr981= (NM_001164098.2); c.1042+8853A>T (NM_001164097.2, NM_001126336.3).
Identifiers: ClinVar variation 354410 (VCV000354410.18), dbSNP rs144070403, ClinGen allele CA3332928.